The following is an entry in ClinVar:

NM_001365276.2(TNXB):c.7418G>A (p.Arg2473His)

Gene: TNXB (tenascin XB; minus strand). Cytogenetic location: 6p21.33.
Variant type: single nucleotide variant.
Coding change: c.7418G>A on transcript NM_001365276.2 (MANE Select); coding-DNA position 7418, G replaced by A.
Protein change: p.Arg2473His; replaces arginine 2473 with histidine.
Molecular consequence: missense variant.
Genome position (GRCh38, 1-based): chr6:32,061,471, C>T on the plus strand (G>A on the coding strand, the complement: TNXB is on the minus strand). VCF-style: chr6-32061471-C-T. GRCh37 (hg19) VCF-style: chr6-32029248-C-T.
Other names: p.Arg2473His; c.7418G>A, p.Arg2473His (NM_019105.8); short protein forms R2473H.
Identifiers: ClinVar variation 1205756 (VCV001205756.8), dbSNP rs774735083, ClinGen allele CA3734160.

ClinVar aggregate classification (germline): Likely benign. Review status: criteria provided, multiple submitters, no conflicts (2 of 4 stars). 5 submissions from 5 submitters: Likely benign (5). Last evaluated 2026-06-29.

Conditions:
Cardiovascular phenotype. Identifiers: MedGen CN230736.

Allele frequency attached by ClinVar (database versions not stated): gnomAD 0.00005.

Submissions (5):

Women's Health and Genetics/Laboratory Corporation of America, LabCorp
Classification: Likely benign. Last evaluated: 2026-06-29. Review status: criteria provided, single submitter. Criteria: LabCorp Variant Classification Summary - May 2015. Collection method: clinical testing. Allele origin: germline.
Comment: Variant summary: TNXB c.7418G>A (p.Arg2473His) results in a non-conservative amino acid change in the encoded protein sequence. Algorithms developed to predict the effect of missense changes on protein structure and function are either unavailable or do not agree on the potential impact of this missense change. The variant allele was found at a frequency of 0.00016 in 247796 control chromosomes in the gnomAD database, including 2 homozygotes. This frequency is not significantly higher than estimated for disease-causing variants in TNXB, allowing no conclusion about variant significance. To our knowledge, no occurrence of c.7418G>A in individuals affected with TNXB-related conditions and no experimental evidence demonstrating its impact on protein function have been reported. ClinVar contains an entry for this variant (Variation ID: 1205756). Based on the evidence outlined above, the variant was classified as likely benign.

Labcorp Genetics (formerly Invitae), Labcorp
Classification: Likely benign. Last evaluated: 2025-11-08. Review status: criteria provided, single submitter. Criteria: Invitae Variant Classification Sherloc (09022015). Collection method: clinical testing. Allele origin: germline.

Mayo Clinic Laboratories, Mayo Clinic
Classification: Likely benign. Last evaluated: 2025-10-15. Review status: criteria provided, single submitter. Criteria: ACMG Guidelines, 2015. Collection method: clinical testing. Allele origin: germline. Observed: 1 variant allele.
Comment: BS1_supporting, BS2_supporting, BP4

Ambry Genetics
Classification: Likely benign for Cardiovascular phenotype. Last evaluated: 2025-04-07. Review status: criteria provided, single submitter. Criteria: Ambry Variant Classification Scheme 2023. Collection method: clinical testing. Allele origin: germline.

GeneDx
Classification: Likely benign. Last evaluated: 2019-08-07. Review status: criteria provided, single submitter. Criteria: GeneDx Variant Classification Process June 2021. Collection method: clinical testing. Allele origin: germline. Affected: yes.